The following is an entry in ClinVar:

NC_000016.9:g.(?_7383003)_(7760747_?)dup

Gene: RBFOX1 (RNA binding fox-1 homolog 1; plus strand). Cytogenetic location: 16p13.3.
Variant type: Duplication.
Identifiers: ClinVar variation 2427343 (VCV002427343.2).

ClinVar aggregate classification (germline): Uncertain significance (1 of 4 stars; one submission).

Conditions:
Idiopathic generalized epilepsy. Also called: Generalised epilepsy; EIG. Identifiers: MedGen C0270850, MONDO:0005579, OMIM 600669.

Submission:

Labcorp Genetics (formerly Invitae), Labcorp
Classification: Uncertain significance for Idiopathic generalized epilepsy. Last evaluated: 2022-09-02. Review status: criteria provided, single submitter. Criteria: Invitae Variant Classification Sherloc (09022015). Collection method: clinical testing. Allele origin: germline.
Comment: A copy number gain of the genomic region encompassing the full coding sequence of the RBFOX1 gene has been identified. The boundaries of this event are unknown as they extend beyond the assayed region for this gene and therefore may encompass additional genes. As the precise location of this event is unknown, it may be in tandem or it may be located elsewhere in the genome. A similar copy number variant has been observed in individual(s) with clinical features of RBFOX1-related conditions (PMID: 31602316). In summary, the available evidence is currently insufficient to determine the role of this variant in disease. Therefore, it has been classified as a Variant of Uncertain Significance.

Literature cited by the submitters: PubMed 31602316.